The following is an entry in ClinVar:

NM_002755.4(MAP2K1):c.1091C>A (p.Ser364Tyr)

Genes: MAP2K1 (mitogen-activated protein kinase kinase 1; plus strand), SNAPC5 (small nuclear RNA activating complex polypeptide 5; minus strand). Cytogenetic location: 15q22.31.
Variant type: single nucleotide variant.
Coding change: c.1091C>A on transcript NM_002755.4 (MANE Select); coding-DNA position 1091, C replaced by A.
Protein change: p.Ser364Tyr; replaces serine 364 with tyrosine.
Molecular consequence: missense variant. On other transcripts: 3 prime UTR variant (1), non-coding transcript variant (1).
Genome position (GRCh38, 1-based): chr15:66,490,524, C>A. VCF-style: chr15-66490524-C-A. GRCh37 (hg19) VCF-style: chr15-66782862-C-A.
Other names: c.*215G>T (NM_006049.4); c.947C>A, p.Ser316Tyr (NM_001411065.1); short protein forms S316Y, S364Y.
Identifiers: ClinVar variation 3292965 (VCV003292965.1).
Genomic context (GRCh38, chr15:66,490,524, plus strand): 5'-CTTTTTAACACCACGTCCTCTCGTTTCCTTACATGCAGGTTCATGCTTTTATCAAGAGAT[C>A]TGATGCTGAGGAAGTGGATTTTGCAGGTTGGCTCTGCTCCACCATCGGCCTTAACCAGCC-3'
Protein context (NP_002746.1, residues 354-374): QLMVHAFIKR[Ser364Tyr]DAEEVDFAGW

ClinVar aggregate classification (germline): Uncertain significance (1 of 4 stars; one submission).

Conditions:
Cardiovascular phenotype. Identifiers: MedGen CN230736.

Submission:

Ambry Genetics
Classification: Uncertain significance for Cardiovascular phenotype. Last evaluated: 2024-05-17. Review status: criteria provided, single submitter. Criteria: Ambry Variant Classification Scheme 2023. Collection method: clinical testing. Allele origin: germline.
Comment: The p.S364Y variant (also known as c.1091C>A), located in coding exon 11 of the MAP2K1 gene, results from a C to A substitution at nucleotide position 1091. The serine at codon 364 is replaced by tyrosine, an amino acid with dissimilar properties. This amino acid position is conserved. In addition, this alteration is predicted to be deleterious by in silico analysis. Based on the available evidence, the clinical significance of this variant remains unclear.